The following is an entry in ClinVar:

ClinVar aggregate classification (germline): Likely benign (1 of 4 stars; one submission).

Allele frequency attached by ClinVar (database versions not stated): gnomAD exomes 0.00049; ExAC 0.00172; 1000 Genomes Project 0.00519; gnomAD 0.00552; ESP Exome Variant Server 0.00585; TOPMed 0.00611; 1000 Genomes Project 30x 0.00640.
gnomAD v4.1: 1,573 of 1,597,744 alleles (0.098%); highest among the groups gnomAD compares: African/African-American, 1.9%; 15 homozygotes.

Submission:

GeneDx
Classification: Likely benign. Last evaluated: 2021-05-25. Review status: criteria provided, single submitter. Criteria: GeneDx Variant Classification Process June 2021. Collection method: clinical testing. Allele origin: germline. Affected: yes.
Comment: See Variant Classification Assertion Criteria.

NM_002838.5(PTPRC):c.2143-36C>T

Gene: PTPRC (protein tyrosine phosphatase receptor type C; plus strand). Cytogenetic location: 1q32.1.
Variant type: single nucleotide variant.
Coding change: c.2143-36C>T on transcript NM_002838.5 (MANE Select); 36 bases into the intron before coding-DNA position 2143, C replaced by T.
Molecular consequence: intron variant.
Genome position (GRCh38, 1-based): chr1:198,734,160, C>T. VCF-style: chr1-198734160-C-T. GRCh37 (hg19) VCF-style: chr1-198703289-C-T.
Other names: c.1660-36C>T (NM_080921.4).
Identifiers: ClinVar variation 1706842 (VCV001706842.2), dbSNP rs182554657, ClinGen allele CA1315016.